The following is an entry in ClinVar:

NM_000030.3(AGXT):c.264C>T (p.Ala88=)

Gene: AGXT (alanine--glyoxylate aminotransferase; plus strand). Cytogenetic location: 2q37.3.
Variant type: single nucleotide variant.
Coding change: c.264C>T on transcript NM_000030.3 (MANE Select); coding-DNA position 264, C replaced by T.
Protein change: p.Ala88=; no amino-acid change (alanine 88 retained).
Molecular consequence: synonymous variant.
Genome position (GRCh38, 1-based): chr2:240,869,268, C>T. VCF-style: chr2-240869268-C-T. GRCh37 (hg19) VCF-style: chr2-241808685-C-T.
Other names: p.Ala88=.
Identifiers: ClinVar variation 204030 (VCV000204030.24), dbSNP rs35698882, ClinGen allele CA275563.

ClinVar aggregate classification (germline): Benign. Review status: criteria provided, multiple submitters, no conflicts (2 of 4 stars). 10 submissions from 10 submitters: Benign (8). 2 of the submissions do not count toward it. Last evaluated 2026-02-04.

Conditions:
Primary hyperoxaluria, type I (HP1). Also called: GLYCOLIC ACIDURIA; HEPATIC AGT DEFICIENCY; Primary hyperoxaluria type 1; OXALOSIS I. Identifiers: Orphanet 416, Orphanet 93598, MedGen C0268164, MONDO:0009823, OMIM 259900. Disease mechanism: loss of function.

Allele frequency attached by ClinVar (database versions not stated): 1000 Genomes Project 30x 0.08042; 1000 Genomes Project 0.08127; TOPMed 0.13781; gnomAD exomes 0.14799 and 0.18593; ExAC 0.14976; gnomAD 0.15328; ESP Exome Variant Server 0.15647.

Submissions (10):

Labcorp Genetics (formerly Invitae), Labcorp
Classification: Benign. Last evaluated: 2026-02-04. Review status: criteria provided, single submitter. Criteria: Invitae Variant Classification Sherloc (09022015). Collection method: clinical testing. Allele origin: germline.

Blueprint Genetics
Classification: Benign. Last evaluated: 2024-11-26. Review status: criteria provided, single submitter. Criteria: ACMG Guidelines, 2015. Collection method: clinical testing. Allele origin: germline.

Mayo Clinic Laboratories, Mayo Clinic
Classification: Benign. Last evaluated: 2022-03-09. Review status: criteria provided, single submitter. Criteria: ACMG Guidelines, 2015. Collection method: clinical testing. Allele origin: germline. Observed: 60 variant alleles.

Genome-Nilou Lab
Classification: Benign for Primary hyperoxaluria, type I. Last evaluated: 2021-07-10. Review status: criteria provided, single submitter. Criteria: ACMG Guidelines, 2015. Collection method: clinical testing. Allele origin: germline. Affected: no.

GeneDx
Classification: Benign. Last evaluated: 2018-06-13. Review status: criteria provided, single submitter. Criteria: GeneDx Variant Classification (06012015). Collection method: clinical testing. Allele origin: germline. Affected: yes.
Comment: This variant is considered likely benign or benign based on one or more of the following criteria: it is a conservative change, it occurs at a poorly conserved position in the protein, it is predicted to be benign by multiple in silico algorithms, and/or has population frequency not consistent with disease.

Illumina Laboratory Services, Illumina
Classification: Benign for Primary hyperoxaluria, type I. Last evaluated: 2018-01-13. Review status: criteria provided, single submitter. Criteria: ICSL Variant Classification Criteria 13 December 2019. Collection method: clinical testing. Allele origin: germline.
Comment: This variant was observed in the ICSL laboratory as part of a predisposition screen in an ostensibly healthy population. It had not been previously curated by ICSL or reported in the Human Gene Mutation Database (HGMD: prior to June 1st, 2018), and was therefore a candidate for classification through an automated scoring system. Utilizing variant allele frequency, disease prevalence and penetrance estimates, and inheritance mode, an automated score was calculated to assess if this variant is too frequent to cause the disease. Based on the score and internal cut-off values, a variant classified as benign is not then subjected to further curation. The score for this variant resulted in a classification of benign for this disease.

Breakthrough Genomics
Classification: Benign. Review status: criteria provided, single submitter. Criteria: ACMG Guidelines, 2015. Collection method: not provided. Allele origin: germline. Inheritance: Autosomal recessive inheritance. Affected: yes.

PreventionGenetics, part of Exact Sciences
Classification: Benign. Review status: criteria provided, single submitter. Criteria: ACMG Guidelines, 2015. Collection method: clinical testing. Allele origin: germline.

Natera, Inc.
Classification: Benign for Primary hyperoxaluria type I. Last evaluated: 2019-09-09. Review status: no assertion criteria provided. Collection method: clinical testing. Allele origin: germline. Not counted in ClinVar's aggregate classification.

Clinical Biochemistry Laboratory, Health Services Laboratory
Classification: Uncertain significance for Primary hyperoxaluria, type I. Last evaluated: 2014-11-27. Review status: no assertion criteria provided. Collection method: research. Allele origin: germline. Affected: yes. Not counted in ClinVar's aggregate classification.

Literature cited by the submitters: PubMed 7967498 (cited by Clinical Biochemistry Laboratory, Health Services Laboratory).